The following is an entry in ClinVar:

ClinVar aggregate classification (germline): Uncertain significance. Review status: criteria provided, multiple submitters, no conflicts (2 of 4 stars). 3 submissions from 3 submitters: Uncertain significance (3). Last evaluated 2021-12-23.

Conditions:
2-aminoadipic 2-oxoadipic aciduria (AAKAD). Also called: Aminoadipic aciduria; ALPHA-AMINOADIPIC AND ALPHA-KETOADIPIC ACIDURIA. Identifiers: Orphanet 79154, MedGen C1859817, MONDO:0008774, OMIM 204750.
Charcot-Marie-Tooth disease axonal type 2Q. Also called: CHARCOT-MARIE-TOOTH DISEASE, AXONAL, AUTOSOMAL DOMINANT, TYPE 2Q; CHARCOT-MARIE-TOOTH NEUROPATHY, TYPE 2Q. Identifiers: Orphanet 329258, MedGen C3554366, MONDO:0014012, OMIM 615025.
Inborn genetic diseases. Identifiers: MedGen C0950123, MeSH D030342.

Allele frequency attached by ClinVar (database versions not stated): gnomAD exomes below 0.00001; gnomAD 0.00001.
gnomAD v4.1: 2 of 1,613,744 alleles (0.00012%); highest among the groups gnomAD compares: Non-Finnish European, 0.00017%; no homozygotes.

Submissions (3):

Labcorp Genetics (formerly Invitae), Labcorp
Classification: Uncertain significance for 2-aminoadipic 2-oxoadipic aciduria. Last evaluated: 2021-12-23. Review status: criteria provided, single submitter. Criteria: Invitae Variant Classification Sherloc (09022015). Collection method: clinical testing. Allele origin: germline.
Comment: In summary, the available evidence is currently insufficient to determine the role of this variant in disease. Therefore, it has been classified as a Variant of Uncertain Significance. Algorithms developed to predict the effect of sequence changes on RNA splicing suggest that this variant may create or strengthen a splice site. Algorithms developed to predict the effect of missense changes on protein structure and function output the following: SIFT: "Tolerated"; PolyPhen-2: "Benign"; Align-GVGD: "Class C0". The arginine amino acid residue is found in multiple mammalian species, which suggests that this missense change does not adversely affect protein function. ClinVar contains an entry for this variant (Variation ID: 585057). This variant has not been reported in the literature in individuals affected with DHTKD1-related conditions. This variant is not present in population databases (gnomAD no frequency). This sequence change replaces lysine, which is basic and polar, with arginine, which is basic and polar, at codon 916 of the DHTKD1 protein (p.Lys916Arg).

Ambry Genetics
Classification: Uncertain significance for Inborn genetic diseases. Last evaluated: 2021-09-15. Review status: criteria provided, single submitter. Criteria: Ambry Variant Classification Scheme 2023. Collection method: clinical testing. Allele origin: germline.

Baylor Genetics
Classification: Uncertain significance for 2-aminoadipic 2-oxoadipic aciduria. Last evaluated: 2019-01-07. Review status: criteria provided, single submitter. Criteria: ACMG Guidelines, 2015. Collection method: clinical testing. Allele origin: maternal. Affected: yes.
Comment: This variant was determined to be of uncertain significance according to ACMG Guidelines, 2015 [PMID:25741868].

NM_018706.7(DHTKD1):c.2747A>G (p.Lys916Arg)

Gene: DHTKD1 (dehydrogenase E1 and transketolase domain containing 1; plus strand). Cytogenetic location: 10p14.
Variant type: single nucleotide variant.
Coding change: c.2747A>G on transcript NM_018706.7 (MANE Select); coding-DNA position 2747, A replaced by G.
Protein change: p.Lys916Arg; replaces lysine 916 with arginine.
Molecular consequence: missense variant.
Genome position (GRCh38, 1-based): chr10:12,120,875, A>G. VCF-style: chr10-12120875-A-G. GRCh37 (hg19) VCF-style: chr10-12162874-A-G.
Other names: short protein forms K916R.
Identifiers: ClinVar variation 585057 (VCV000585057.10), dbSNP rs1016086446, ClinGen allele CA202568914.